The following is an entry in ClinVar:

NM_001369.3(DNAH5):c.5142del (p.Pro1715fs)

Gene: DNAH5 (dynein axonemal heavy chain 5; minus strand). Cytogenetic location: 5p15.2.
Variant type: Deletion.
Coding change: c.5142del on transcript NM_001369.3 (MANE Select); coding-DNA position 5142, one base deleted (T; older notation c.5142delT).
Protein change: p.Pro1715fs; shifts the reading frame from proline 1715.
Molecular consequence: frameshift variant.
Genome position (GRCh38, 1-based): chr5:13,844,966, A deleted on the plus strand (T on the coding strand, the reverse complement: DNAH5 is on the minus strand); the first of 3 consecutive A bases (chr5:13,844,966-13,844,968); deleting any one gives the same sequence. VCF-style (leftmost placement, unchanged base first): chr5-13844965-GA-G. GRCh37 (hg19) VCF-style: chr5-13845074-GA-G.
Other names: short protein forms P1715fs.
Identifiers: ClinVar variation 5037975 (VCV005037975.2).

ClinVar aggregate classification (germline): Likely pathogenic (1 of 4 stars; one submission).

Conditions:
Primary ciliary dyskinesia 3. Identifiers: Orphanet 244, MedGen C1837618, MONDO:0012085, OMIM 608644.

Submission:

Juno Genomics, Hangzhou Juno Genomics, Inc
Classification: Likely pathogenic for Primary ciliary dyskinesia 3. Review status: criteria provided, single submitter. Criteria: ACMG Guidelines, 2015. Collection method: clinical testing. Allele origin: germline.
Comment: Absent from controls (or at extremely low frequency if recessive) in Genome Aggregation Database.;Null variant in a gene where loss of function (LOF) is a known mechanism of disease.